The following is an entry in ClinVar:

NM_052947.4(ALPK2):c.2839T>C (p.Ser947Pro)

Gene: ALPK2 (alpha kinase 2; minus strand). Cytogenetic location: 18q21.31.
Variant type: single nucleotide variant.
Coding change: c.2839T>C on transcript NM_052947.4 (MANE Select); coding-DNA position 2839, T replaced by C.
Protein change: p.Ser947Pro; replaces serine 947 with proline.
Molecular consequence: missense variant.
Genome position (GRCh38, 1-based): chr18:58,537,348, A>G on the plus strand (T>C on the coding strand, the complement: ALPK2 is on the minus strand). VCF-style: chr18-58537348-A-G. GRCh37 (hg19) VCF-style: chr18-56204580-A-G.
Other names: short protein forms S947P.
Identifiers: ClinVar variation 2564077 (VCV002564077.2), dbSNP rs2518877192, ClinGen allele CA402569665.

ClinVar aggregate classification (germline): Uncertain significance (1 of 4 stars; one submission).

Submission:

Ambry Genetics
Classification: Uncertain significance. Last evaluated: 2023-05-15. Review status: criteria provided, single submitter. Criteria: Ambry Variant Classification Scheme 2023. Collection method: clinical testing. Allele origin: germline.
Comment: The p.S947P variant (also known as c.2839T>C), located in coding exon 4 of the ALPK2 gene, results from a T to C substitution at nucleotide position 2839. The serine at codon 947 is replaced by proline, an amino acid with similar properties. This amino acid position is conserved. In addition, this alteration is predicted to be tolerated by in silico analysis. Since supporting evidence is limited at this time, the clinical significance of this alteration remains unclear.